The following is an entry in ClinVar:

ClinVar aggregate classification (germline): Benign (1 of 4 stars; one submission).

Submission:

CeGaT Center for Human Genetics Tuebingen
Classification: Benign. Last evaluated: 2025-07-01. Review status: criteria provided, single submitter. Criteria: CeGaT Center For Human Genetics Tuebingen Variant Classification Criteria Version 2. Collection method: clinical testing. Allele origin: germline. Affected: yes. Observed: 1 variant allele.
Comment: CELA3B: BP4, BS1, BS2

NM_007352.4(CELA3B):c.519C>T (p.Asp173=)

Gene: CELA3B (chymotrypsin like elastase 3B; plus strand). Cytogenetic location: 1p36.12.
Variant type: single nucleotide variant.
Coding change: c.519C>T on transcript NM_007352.4 (MANE Select); coding-DNA position 519, C replaced by T.
Protein change: p.Asp173=; no amino-acid change (aspartic acid 173 retained).
Molecular consequence: synonymous variant.
Genome position (GRCh38, 1-based): chr1:21,984,208, C>T. VCF-style: chr1-21984208-C-T. GRCh37 (hg19) VCF-style: chr1-22310701-C-T.
Identifiers: ClinVar variation 4083582 (VCV004083582.8).